The following is an entry in ClinVar:

NM_007315.4(STAT1):c.995C>T (p.Pro332Leu)

Gene: STAT1 (signal transducer and activator of transcription 1; minus strand). Cytogenetic location: 2q32.2.
Variant type: single nucleotide variant.
Coding change: c.995C>T on transcript NM_007315.4 (MANE Select); coding-DNA position 995, C replaced by T.
Protein change: p.Pro332Leu; replaces proline 332 with leucine.
Molecular consequence: missense variant. On other transcripts: intron variant (1).
Genome position (GRCh38, 1-based): chr2:190,991,270, G>A on the plus strand (C>T on the coding strand, the complement: STAT1 is on the minus strand). VCF-style: chr2-190991270-G-A. GRCh37 (hg19) VCF-style: chr2-191855996-G-A.
Other names: c.995C>T, p.Pro332Leu (NM_001384880.1, NM_001384882.1, NM_001384886.1 and 4 more transcripts); c.1001C>T, p.Pro334Leu (NM_001384881.1, NM_001384884.1); c.896C>T, p.Pro299Leu (NM_001384883.1); c.836C>T, p.Pro279Leu (NM_001384885.1); c.905C>T, p.Pro302Leu (NM_001384890.1); c.1031C>T, p.Pro344Leu (NM_001384891.1); c.945-1596C>T (NM_001384887.1); short protein forms P279L, P299L, P302L, P332L, P334L, P344L.
Identifiers: ClinVar variation 4681004 (VCV004681004.1).

ClinVar aggregate classification (germline): Uncertain significance (1 of 4 stars; one submission).

gnomAD v4.1: 2 of 1,614,004 alleles (0.00012%); highest among the groups gnomAD compares: Non-Finnish European, 0.00017%; no homozygotes.

Submission:

GeneDx
Classification: Uncertain significance. Last evaluated: 2025-07-03. Review status: criteria provided, single submitter. Criteria: GeneDx Variant Classification Process June 2021. Collection method: clinical testing. Allele origin: germline. Affected: yes.
Comment: Not observed at significant frequency in large population cohorts (gnomAD); In silico analysis supports that this missense variant has a deleterious effect on protein structure/function; Has not been previously published as pathogenic or benign to our knowledge